The following is an entry in ClinVar:

ClinVar aggregate classification (germline): Conflicting classifications of pathogenicity. Review status: criteria provided, conflicting classifications (1 of 4 stars). 3 submissions from 3 submitters: Uncertain significance (2); Likely benign (1). Last evaluated 2025-10-10.

Conditions:
Developmental and epileptic encephalopathy, 25 (DEE25). Also called: Epileptic encephalopathy, early infantile, 25; Developmental and epileptic encephalopathy 25, with amelogenesis imperfecta; Epileptic encephalopathy, early infantile, 25, with amelogenesis imperfecta. Identifiers: Orphanet 442835, MedGen C4014621, MONDO:0014392, OMIM 615905.

gnomAD v4.1: 35 of 1,609,576 alleles (0.0022%); highest among the groups gnomAD compares: Admixed American, 0.022%; no homozygotes.

Submissions (3):

Labcorp Genetics (formerly Invitae), Labcorp
Classification: Uncertain significance for Developmental and epileptic encephalopathy, 25. Last evaluated: 2025-10-10. Review status: criteria provided, single submitter. Criteria: Invitae Variant Classification Sherloc (09022015). Collection method: clinical testing. Allele origin: germline.
Comment: This sequence change replaces valine, which is neutral and non-polar, with leucine, which is neutral and non-polar, at codon 431 of the SLC13A5 protein (p.Val431Leu). This variant is present in population databases (rs201036096, gnomAD 0.02%). This variant has not been reported in the literature in individuals affected with SLC13A5-related conditions. ClinVar contains an entry for this variant (Variation ID: 1017100). Invitae Evidence Modeling of protein sequence and biophysical properties (such as structural, functional, and spatial information, amino acid conservation, physicochemical variation, residue mobility, and thermodynamic stability) indicates that this missense variant is not expected to disrupt SLC13A5 protein function with a negative predictive value of 80%. In summary, the available evidence is currently insufficient to determine the role of this variant in disease. Therefore, it has been classified as a Variant of Uncertain Significance.

GeneDx
Classification: Likely benign. Last evaluated: 2022-03-07. Review status: criteria provided, single submitter. Criteria: GeneDx Variant Classification Process June 2021. Collection method: clinical testing. Allele origin: germline. Affected: yes.
Comment: In silico analysis supports that this missense variant does not alter protein structure/function; Has not been previously published as pathogenic or benign to our knowledge

Genome-Nilou Lab
Classification: Uncertain significance for Developmental and epileptic encephalopathy, 25. Last evaluated: 2021-07-15. Review status: criteria provided, single submitter. Criteria: ACMG Guidelines, 2015. Collection method: clinical testing. Allele origin: germline. Affected: no.

NM_177550.5(SLC13A5):c.1291G>T (p.Val431Leu)

Gene: SLC13A5 (solute carrier family 13 member 5; minus strand). Cytogenetic location: 17p13.1.
Variant type: single nucleotide variant.
Coding change: c.1291G>T on transcript NM_177550.5 (MANE Select); coding-DNA position 1291, G replaced by T.
Protein change: p.Val431Leu; replaces valine 431 with leucine.
Molecular consequence: missense variant.
Genome position (GRCh38, 1-based): chr17:6,690,925, C>A on the plus strand (G>T on the coding strand, the complement: SLC13A5 is on the minus strand). VCF-style: chr17-6690925-C-A. GRCh37 (hg19) VCF-style: chr17-6594244-C-A.
Other names: c.1291G>T, p.Val431Leu (NM_001143838.3); c.1240G>T, p.Val414Leu (NM_001284509.2); c.1162G>T, p.Val388Leu (NM_001284510.2); short protein forms V388L, V414L, V431L.
Identifiers: ClinVar variation 1017100 (VCV001017100.9), dbSNP rs201036096, ClinGen allele CA8331423.